The following is an entry in ClinVar:

ClinVar aggregate classification (germline): Uncertain significance (1 of 4 stars; one submission).

Submission:

GeneDx
Classification: Uncertain significance. Last evaluated: 2024-01-19. Review status: criteria provided, single submitter. Criteria: GeneDx Variant Classification Process June 2021. Collection method: clinical testing. Allele origin: germline. Affected: yes.
Comment: Has not been previously published as pathogenic or benign to our knowledge; Not observed at significant frequency in large population cohorts (gnomAD); In silico analysis supports that this missense variant has a deleterious effect on protein structure/function

NM_017617.5(NOTCH1):c.853C>T (p.Pro285Ser)

Gene: NOTCH1 (notch receptor 1; minus strand). Cytogenetic location: 9q34.3.
Variant type: single nucleotide variant.
Coding change: c.853C>T on transcript NM_017617.5 (MANE Select); coding-DNA position 853, C replaced by T.
Protein change: p.Pro285Ser; replaces proline 285 with serine.
Molecular consequence: missense variant.
Genome position (GRCh38, 1-based): chr9:136,519,455, G>A on the plus strand (C>T on the coding strand, the complement: NOTCH1 is on the minus strand). VCF-style: chr9-136519455-G-A. GRCh37 (hg19) VCF-style: chr9-139413907-G-A.
Other names: short protein forms P285S.
Identifiers: ClinVar variation 3368057 (VCV003368057.1).